The following is an entry in ClinVar:

NM_177924.5(ASAH1):c.484del (p.Asp162fs)

Gene: ASAH1 (N-acylsphingosine amidohydrolase 1; minus strand). Cytogenetic location: 8p22.
Variant type: Deletion.
Coding change: c.484del on transcript NM_177924.5 (MANE Select); coding-DNA position 484, one base deleted (G; older notation c.484delG).
Protein change: p.Asp162fs; shifts the reading frame from aspartic acid 162.
Molecular consequence: frameshift variant.
Genome position (GRCh38, 1-based): chr8:18,063,204, C deleted on the plus strand (G on the coding strand, the reverse complement: ASAH1 is on the minus strand); the first of 2 consecutive C bases (chr8:18,063,204-18,063,205); deleting either gives the same sequence. VCF-style (leftmost placement, unchanged base first): chr8-18063203-TC-T. GRCh37 (hg19) VCF-style: chr8-17920712-TC-T.
Other names: c.466del, p.Asp156fs (NM_001127505.3); c.289del, p.Asp97fs (NM_001363743.2); c.532del, p.Asp178fs (NM_004315.6); short protein forms D162fs, D178fs, D156fs, D97fs.
Identifiers: ClinVar variation 3659124 (VCV003659124.2).

ClinVar aggregate classification (germline): Pathogenic (1 of 4 stars; one submission).

Submission:

Labcorp Genetics (formerly Invitae), Labcorp
Classification: Pathogenic. Last evaluated: 2024-07-10. Review status: criteria provided, single submitter. Criteria: Invitae Variant Classification Sherloc (09022015). Collection method: clinical testing. Allele origin: germline.
Comment: This sequence change creates a premature translational stop signal (p.Asp162Ilefs*10) in the ASAH1 gene. It is expected to result in an absent or disrupted protein product. Loss-of-function variants in ASAH1 are known to be pathogenic (PMID: 24164096, 24355074). This variant is not present in population databases (gnomAD no frequency). This variant has not been reported in the literature in individuals affected with ASAH1-related conditions. For these reasons, this variant has been classified as Pathogenic.

Literature cited by the submitters: PubMed 24164096; PubMed 24355074.